The following is an entry in ClinVar:

NM_178140.4(PDZD2):c.2118C>T (p.Ser706=)

Gene: PDZD2 (PDZ domain containing 2; plus strand). Cytogenetic location: 5p13.3.
Variant type: single nucleotide variant.
Coding change: c.2118C>T on transcript NM_178140.4 (MANE Select); coding-DNA position 2118, C replaced by T.
Protein change: p.Ser706=; no amino-acid change (serine 706 retained).
Molecular consequence: synonymous variant.
Genome position (GRCh38, 1-based): chr5:32,058,021, C>T. VCF-style: chr5-32058021-C-T. GRCh37 (hg19) VCF-style: chr5-32058127-C-T.
Identifiers: ClinVar variation 3038369 (VCV003038369.2), dbSNP rs34236643, ClinGen allele CA3219077.

ClinVar aggregate classification (germline): Likely benign (0 of 4 stars; one submission).

Conditions:
PDZD2-related disorder. Also called: PDZD2-related condition.

Allele frequency attached by ClinVar (database versions not stated): 1000 Genomes Project 30x 0.00047; 1000 Genomes Project 0.00060; TOPMed 0.00280; ExAC 0.00289; gnomAD 0.00296; ESP Exome Variant Server 0.00315; gnomAD exomes 0.00376.
gnomAD v4.1: 5,902 of 1,612,896 alleles (0.37%); highest among the groups gnomAD compares: Non-Finnish European, 0.44%; 17 homozygotes.

Submission:

PreventionGenetics, part of Exact Sciences
Classification: Likely benign for PDZD2-related condition. Last evaluated: 2019-03-08. Review status: no assertion criteria provided. Collection method: clinical testing. Allele origin: germline.
Comment: This variant is classified as likely benign based on ACMG/AMP sequence variant interpretation guidelines (Richards et al. 2015 PMID: 25741868, with internal and published modifications).